The following is an entry in ClinVar:

NM_018451.5(CPAP):c.3660C>G (p.Tyr1220Ter)

Genes: CPAP (centrosome assembly and centriole elongation protein; minus strand), RNF17 (ring finger protein 17; plus strand). Cytogenetic location: 13q12.12.
Variant type: single nucleotide variant.
Coding change: c.3660C>G on transcript NM_018451.5 (MANE Select); coding-DNA position 3660, C replaced by G.
Protein change: p.Tyr1220Ter; replaces tyrosine 1220 with a stop codon.
Molecular consequence: nonsense. On other transcripts: non-coding transcript variant (2).
Genome position (GRCh38, 1-based): chr13:24,884,204, G>C on the plus strand (C>G on the coding strand, the complement: CPAP is on the minus strand). VCF-style: chr13-24884204-G-C. GRCh37 (hg19) VCF-style: chr13-25458342-G-C.
Other names: short protein forms Y1220*.
Identifiers: ClinVar variation 4293635 (VCV004293635.1).
Genomic context (GRCh38, chr13:24,884,204, plus strand): 5'-GTGGAGCAAGTTTGTACCTATTTGTCCACTTGAGAAATGTAAGACTTCCAGTCCCTCCGG[G>C]TATGTCGTGTGAGTGGTCTGGGCAGCTGCATAGTAGTAGATCTGTAAAGACACACAGTCA-3'

ClinVar aggregate classification (germline): Likely pathogenic (1 of 4 stars; one submission).

Conditions:
Seckel syndrome 4 (SCKL4). Identifiers: Orphanet 808, MedGen C3888212, MONDO:0013358, OMIM 613676.

Submission:

3billion
Classification: Likely pathogenic for Seckel syndrome 4. Last evaluated: 2024-11-30. Review status: criteria provided, single submitter. Criteria: ACMG Guidelines, 2015. Collection method: clinical testing. Allele origin: germline. Affected: yes.
Comment: The variant is not observed in the gnomAD v4.1.0 dataset. Predicted Consequence/Location: Stop-gained (nonsense): predicted to result in a loss or disruption of normal protein function through nonsense-mediated decay (NMD) or protein truncation. Multiple pathogenic variants are reported downstream of the variant. Therefore, this variant is classified as Likely pathogenic according to the recommendation of ACMG/AMP guideline.